The following is an entry in ClinVar:

NM_000260.4(MYO7A):c.6083A>C (p.Lys2028Thr)

Gene: MYO7A (myosin VIIA; plus strand). Cytogenetic location: 11q13.5.
Variant type: single nucleotide variant.
Coding change: c.6083A>C on transcript NM_000260.4 (MANE Select); coding-DNA position 6083, A replaced by C.
Protein change: p.Lys2028Thr; replaces lysine 2028 with threonine.
Molecular consequence: missense variant.
Genome position (GRCh38, 1-based): chr11:77,211,183, A>C. VCF-style: chr11-77211183-A-C. GRCh37 (hg19) VCF-style: chr11-76922228-A-C.
Other names: c.5969A>C, p.Lys1990Thr (NM_001127180.2); c.5936A>C, p.Lys1979Thr (NM_001369365.1); short protein forms K2028T, K1979T, K1990T.
Identifiers: ClinVar variation 1488577 (VCV001488577.5), dbSNP rs1957840305, ClinGen allele CA381935597.

ClinVar aggregate classification (germline): Uncertain significance (1 of 4 stars; one submission).

Submission:

Labcorp Genetics (formerly Invitae), Labcorp
Classification: Uncertain significance. Last evaluated: 2021-09-01. Review status: criteria provided, single submitter. Criteria: Invitae Variant Classification Sherloc (09022015). Collection method: clinical testing. Allele origin: germline.
Comment: This sequence change replaces lysine with threonine at codon 2028 of the MYO7A protein (p.Lys2028Thr). The lysine residue is highly conserved and there is a moderate physicochemical difference between lysine and threonine. This variant is not present in population databases (ExAC no frequency). This variant has not been reported in the literature in individuals affected with MYO7A-related conditions. Algorithms developed to predict the effect of missense changes on protein structure and function are either unavailable or do not agree on the potential impact of this missense change (SIFT: "Deleterious"; PolyPhen-2: "Probably Damaging"; Align-GVGD: "Class C0"). In summary, the available evidence is currently insufficient to determine the role of this variant in disease. Therefore, it has been classified as a Variant of Uncertain Significance.